The following is an entry in ClinVar:

NM_001042492.3(NF1):c.3974+1G>A

Gene: NF1 (neurofibromin 1; plus strand). Cytogenetic location: 17q11.2.
Variant type: single nucleotide variant.
Coding change: c.3974+1G>A on transcript NM_001042492.3 (MANE Select); the canonical splice donor site of the intron after coding-DNA position 3974, G replaced by A.
Molecular consequence: splice donor variant.
Genome position (GRCh38, 1-based): chr17:31,236,022, G>A. VCF-style: chr17-31236022-G-A. GRCh37 (hg19) VCF-style: chr17-29563040-G-A.
Other names: c.3974+1G>A (NM_000267.4).
Identifiers: ClinVar variation 661977 (VCV000661977.38), dbSNP rs1567852849, ClinGen allele CA398993358.

ClinVar aggregate classification (germline): Pathogenic. Review status: criteria provided, multiple submitters, no conflicts (2 of 4 stars). 6 submissions from 6 submitters: Pathogenic (6). Last evaluated 2024-11-15.

Conditions:
Hereditary cancer-predisposing syndrome. Also called: Neoplastic Syndromes, Hereditary; Hereditary Cancer Syndrome; Tumor predisposition; Hereditary neoplastic syndrome. Identifiers: Orphanet 140162, MedGen C0027672, MeSH D009386, MONDO:0015356.
Cardiovascular phenotype. Identifiers: MedGen CN230736.
Neurofibromatosis, type 1 (NF1). Also called: VON RECKLINGHAUSEN DISEASE; NEUROFIBROMATOSIS, TYPE I, SOMATIC; Peripheral type neurofibromatosis; Neurofibromatosis, type I. Identifiers: Orphanet 636, MedGen C0027831, MONDO:0018975, OMIM 162200. Disease mechanism: loss of function.

Submissions (7):

Ambry Genetics
Classification: Pathogenic for Cardiovascular phenotype; Hereditary cancer-predisposing syndrome. Last evaluated: 2024-11-15. Review status: criteria provided, single submitter. Criteria: Ambry Variant Classification Scheme 2023. Collection method: clinical testing. Allele origin: germline.
Comment: The c.3974+1G>A intronic pathogenic mutation results from a G to A substitution one nucleotide after coding exon 29 of the NF1 gene. This alteration has been observed in multiple individuals with a personal and/or family history that is consistent with neurofibromatosis type 1 (Ambry internal data). In addition, another alteration impacting the same donor site (c.3974+1G>T) has been detected in a patient with neurofibromatosis type 1 (Ambry internal data). In silico splice site analysis predicts that this alteration will weaken the native splice donor site; however, direct evidence is insufficient at this time (Ambry internal data). This variant is considered to be rare based on population cohorts in the Genome Aggregation Database (gnomAD). Alterations that disrupt the canonical splice site are expected to cause aberrant splicing, resulting in an abnormal protein or a transcript that is subject to nonsense-mediated mRNA decay. As such, this alteration is classified as a disease-causing mutation.

CeGaT Center for Human Genetics Tuebingen
Classification: Pathogenic. Last evaluated: 2024-08-01. Review status: criteria provided, single submitter. Criteria: CeGaT Center For Human Genetics Tuebingen Variant Classification Criteria Version 2. Collection method: clinical testing. Allele origin: germline. Affected: yes. Observed: 1 variant allele.
Comment: NF1: PVS1, PM2, PS1:Supporting, PS4:Supporting

Labcorp Genetics (formerly Invitae), Labcorp
Classification: Pathogenic for Neurofibromatosis, type 1. Last evaluated: 2024-06-11. Review status: criteria provided, single submitter. Criteria: Invitae Variant Classification Sherloc (09022015). Collection method: clinical testing. Allele origin: germline.
Comment: This sequence change affects a donor splice site in intron 29 of the NF1 gene. It is expected to disrupt RNA splicing. Variants that disrupt the donor or acceptor splice site typically lead to a loss of protein function (PMID: 16199547), and loss-of-function variants in NF1 are known to be pathogenic (PMID: 10712197, 23913538). This variant is not present in population databases (gnomAD no frequency). Disruption of this splice site has been observed in individuals with neurofibromatosis type 1 (PMID: 26740943; Invitae). ClinVar contains an entry for this variant (Variation ID: 661977). Algorithms developed to predict the effect of sequence changes on RNA splicing suggest that this variant may disrupt the consensus splice site. For these reasons, this variant has been classified as Pathogenic.

Genome-Nilou Lab
Classification: Pathogenic for Neurofibromatosis, type 1. Last evaluated: 2022-03-15. Review status: criteria provided, single submitter. Criteria: ACMG Guidelines, 2015. Collection method: clinical testing. Allele origin: germline. Affected: no.

GeneDx
Classification: Pathogenic. Last evaluated: 2021-03-19. Review status: criteria provided, single submitter. Criteria: GeneDx Variant Classification Process June 2021. Collection method: clinical testing. Allele origin: germline. Affected: yes.
Comment: Canonical splice site variant predicted to result in a null allele in a gene for which loss-of-function is a known mechanism of disease; Not observed in large population cohorts (Lek 2016); This variant is associated with the following publications: (PMID: 31766501, 12807981, 26740943)

ARUP Laboratories, Molecular Genetics and Genomics, ARUP Laboratories
Classification: Pathogenic. Last evaluated: 2019-03-15. Review status: criteria provided, single submitter. Criteria: ARUP Molecular Germline Variant Investigation Process. Collection method: clinical testing. Allele origin: germline.
Comment: The NF1 c.3974+1G>A variant has been described in at least one individual affected with neurofibromatosis type 1 (NF1; Bianchessi 2015). It is absent from general population databases (Exome Variant Server and Genome Aggregation Database), indicating it is not a common polymorphism. This variant abolishes the canonical splice donor site of intron 29, which is likely to disrupt gene function. Additionally, other variants at this position (c.3974+1G>C and c.3974+1G>T) have been described in individuals affected with NF1 (Han 2001, Wimmer 2007). Based on available information, the c.3974+1G>A variant is considered pathogenic. REFERENCES Bianchessi D et al. 126 novel mutations in Italian patients with neurofibromatosis type 1. Mol Genet Genomic Med. 2015 Jul 7;3(6):513-25. Han S et al. Evaluation of denaturing high performance liquid chromatography (DHPLC) for the mutational analysis of the neurofibromatosis type 1 ( NF1) gene. Hum Genet. 2001 Nov;109(5):487-97. Wimmer K et al. Extensive in silico analysis of NF1 splicing defects uncovers determinants for splicing outcome upon 5' splice-site disruption. Hum Mutat. 2007 Jun;28(6):599-612.

Dr. Peter K. Rogan Lab, Western University
No classification provided (evidence only). Condition: Ovarian serous cystadenocarcinoma. Review status: no classification provided. Collection method: in vitro. Allele origin: not applicable. Functional consequence: retained intron. Not counted in ClinVar's aggregate classification.

Literature cited by the submitters: PubMed 26740943 (cited by Ambry Genetics and Labcorp Genetics (formerly Invitae), Labcorp); PubMed 16199547 (cited by Labcorp Genetics (formerly Invitae), Labcorp); PubMed 10712197 (cited by Labcorp Genetics (formerly Invitae), Labcorp); PubMed 23913538 (cited by Labcorp Genetics (formerly Invitae), Labcorp).